The following is an entry in ClinVar:

NM_024296.5(CCDC28B):c.548+115T>G

Gene: CCDC28B (coiled-coil domain containing 28B; plus strand). Cytogenetic location: 1p35.2.
Variant type: single nucleotide variant.
Coding change: c.548+115T>G on transcript NM_024296.5 (MANE Select); 115 bases into the intron after coding-DNA position 548, T replaced by G.
Molecular consequence: intron variant. On other transcripts: synonymous variant (1).
Genome position (GRCh38, 1-based): chr1:32,204,735, T>G. VCF-style: chr1-32204735-T-G. GRCh37 (hg19) VCF-style: chr1-32670336-T-G.
Other names: c.663T>G, p.Pro221= (NM_001301011.2).
Identifiers: ClinVar variation 1694505 (VCV001694505.31), dbSNP rs202132074, ClinGen allele CA739299.

ClinVar aggregate classification (germline): Likely benign (1 of 4 stars; one submission).

Allele frequency attached by ClinVar (database versions not stated): ExAC 0.00075; TOPMed 0.00078; gnomAD exomes 0.00080 and 0.00121; gnomAD 0.00084; ESP Exome Variant Server 0.00175.
gnomAD v4.1: 1,884 of 1,613,838 alleles (0.12%); highest among the groups gnomAD compares: Non-Finnish European, 0.14%; 2 homozygotes.

Submission:

CeGaT Center for Human Genetics Tuebingen
Classification: Likely benign. Last evaluated: 2022-06-01. Review status: criteria provided, single submitter. Criteria: CeGaT Center For Human Genetics Tuebingen Variant Classification Criteria Version 2. Collection method: clinical testing. Allele origin: germline. Affected: yes. Observed: 1 variant allele.
Comment: CCDC28B: BP4, BP7